The following is an entry in ClinVar:

NM_001378454.1(ALMS1):c.7540+9A>T

Gene: ALMS1 (ALMS1 centrosome and basal body associated protein; plus strand). Cytogenetic location: 2p13.1.
Variant type: single nucleotide variant.
Coding change: c.7540+9A>T on transcript NM_001378454.1 (MANE Select); 9 bases into the intron after coding-DNA position 7540, A replaced by T.
Molecular consequence: intron variant.
Genome position (GRCh38, 1-based): chr2:73,454,076, A>T. VCF-style: chr2-73454076-A-T. GRCh37 (hg19) VCF-style: chr2-73681203-A-T.
Other names: c.7540+9A>T (NM_015120.4).
Identifiers: ClinVar variation 2905941 (VCV002905941.3), dbSNP rs1444419774, ClinGen allele CA533691571.

ClinVar aggregate classification (germline): Uncertain significance (1 of 4 stars; one submission).

Conditions:
Alstrom syndrome (ALMS). Identifiers: Orphanet 64, MedGen C0268425, MONDO:0008763, OMIM 203800.

gnomAD v4.1: 4 of 1,602,790 alleles (0.00025%); highest among the groups gnomAD compares: South Asian, 0.0045%; no homozygotes.

Submission:

Labcorp Genetics (formerly Invitae), Labcorp
Classification: Uncertain significance for Alstrom syndrome. Last evaluated: 2023-03-20. Review status: criteria provided, single submitter. Criteria: Invitae Variant Classification Sherloc (09022015). Collection method: clinical testing. Allele origin: germline.
Comment: In summary, the available evidence is currently insufficient to determine the role of this variant in disease. Therefore, it has been classified as a Variant of Uncertain Significance. Algorithms developed to predict the effect of sequence changes on RNA splicing suggest that this variant may create or strengthen a splice site. This variant has not been reported in the literature in individuals affected with ALMS1-related conditions. This variant is present in population databases (no rsID available, gnomAD 0.004%). This sequence change falls in intron 8 of the ALMS1 gene. It does not directly change the encoded amino acid sequence of the ALMS1 protein.